The following is an entry in ClinVar:

ClinVar aggregate classification (germline): Pathogenic (1 of 4 stars; one submission).

Conditions:
VPS13A-related neurodegenerative disease. Also called: ACANTHOCYTOSIS WITH NEUROLOGIC DISORDER; LEVINE-CRITCHLEY SYNDROME; Choreoacanthocytosis; Chorea-acanthocytosis; Choreaacanthocytosis; VPS13A Disease. Identifiers: Orphanet 2388, MedGen C0393576, MONDO:0008695, OMIM 200150.

Submission:

Myriad Genetics, Inc.
Classification: Pathogenic for VPS13A-related neurodegenerative disease. Last evaluated: 2024-05-14. Review status: criteria provided, single submitter. Criteria: Myriad Autosomal Dominant, Autosomal Recessive and X-Linked Classification Criteria (2023). Collection method: clinical testing. Allele origin: unknown.
Comment: NM_033305.2(VPS13A):c.266_267ins14(I90Sfs*6) is expected to be pathogenic in the context of VPS13A disease. This variant is predicted to lead to an abnormal or absent protein product due to the creation of a premature termination codon in VPS13A, a gene where loss-of-function variants are known to be pathogenic. Please note: this variant was assessed in the context of healthy population screening.

NM_033305.3(VPS13A):c.266_267insGTCTCTTATACACA (p.Ile90fs)

Gene: VPS13A (vacuolar protein sorting 13 homolog A; plus strand). Cytogenetic location: 9q21.2.
Variant type: Insertion.
Coding change: c.266_267insGTCTCTTATACACA on transcript NM_033305.3 (MANE Select); coding-DNA positions 266 to 267, GTCTCTTATACACA inserted.
Protein change: p.Ile90fs; shifts the reading frame from isoleucine 90.
Molecular consequence: frameshift variant.
Genome position: GRCh38 VCF-style: chr9-77205391-T-TGTCTCTTATACACA. GRCh37 (hg19) VCF-style: chr9-79820307-T-TGTCTCTTATACACA.
Other names: c.266_267insGTCTCTTATACACA, p.Ile90fs (NM_001018037.2, NM_001018038.3, NM_015186.4); short protein forms I90fs.
Identifiers: ClinVar variation 5010393 (VCV005010393.1).